The following is an entry in ClinVar:

ClinVar aggregate classification (germline): Conflicting classifications of pathogenicity. Review status: criteria provided, conflicting classifications (1 of 4 stars). 2 submissions from 2 submitters: Likely pathogenic (1); Uncertain significance (1). Last evaluated 2025-11-13.

Conditions:
Macrocephaly-developmental delay syndrome (MRT41). Also called: INTELLECTUAL DEVELOPMENTAL DISORDER, AUTOSOMAL RECESSIVE 41. Identifiers: Orphanet 397612, MedGen C3810225, MONDO:0014289, OMIM 615637.
RAB5C-related disorder. Also called: RAB5C-related condition.

Submissions (2):

3billion
Classification: Likely pathogenic for RAB5C-related disorder. Last evaluated: 2025-11-13. Review status: criteria provided, single submitter. Criteria: ACMG Guidelines, 2015. Collection method: clinical testing. Allele origin: germline. Affected: yes.
Comment: The variant is not observed in the gnomAD v4.1.0 dataset. Predicted Consequence/Location: Missense variant In silico tool predictions suggest damaging effect of the variant on gene or gene product [REVEL: 0.88 (>=0.6, sensitivity 0.68 and specificity 0.92)]. The same nucleotide change resulting in the same amino acid change has been previously reported to be associated with RAB5C-related disorder (PMID: 37552066). The variant has been previously reported as de novo in a similarly affected individual (PMID: 37552066). Therefore, this variant is classified as Likely pathogenic according to the recommendation of ACMG/AMP guideline.

Broad Center for Mendelian Genomics, Broad Institute of MIT and Harvard
Classification: Uncertain significance for Macrocephaly-developmental delay syndrome. Last evaluated: 2024-11-26. Review status: criteria provided, single submitter. Criteria: ACMG Guidelines, 2015. Collection method: curation. Allele origin: germline. Inheritance: Autosomal dominant inheritance. Study: GREGoR Consortium.
Comment: While this gene is still lacking sufficient evidence to establish a gene-disease relationship, we believe this is a possible novel gene candidate for macrocephaly-developmental delay syndrome. Given the limited information about this gene-disease relationship, the significance of the p.Ser35Cys variant is uncertain. If you have any additional information about functional evidence or other individuals with this phenotype that also have variants in RAB5C we encourage you to reach out to us.

Literature cited by the submitters: PubMed 37552066 (cited by 3billion).

NM_004583.4(RAB5C):c.104C>G (p.Ser35Cys)

Gene: RAB5C (RAB5C, member RAS oncogene family; minus strand). Cytogenetic location: 17q21.2.
Variant type: single nucleotide variant.
Coding change: c.104C>G on transcript NM_004583.4 (MANE Select); coding-DNA position 104, C replaced by G.
Protein change: p.Ser35Cys; replaces serine 35 with cysteine.
Molecular consequence: missense variant.
Genome position (GRCh38, 1-based): chr17:42,130,399, G>C on the plus strand (C>G on the coding strand, the complement: RAB5C is on the minus strand). VCF-style: chr17-42130399-G-C. GRCh37 (hg19) VCF-style: chr17-40282417-G-C.
Other names: NM_201434.3:c.104C>G; c.203C>G, p.Ser68Cys (NM_001252039.2); c.104C>G, p.Ser35Cys (NM_201434.3); short protein forms S35C, S68C.
Identifiers: ClinVar variation 3383318 (VCV003383318.2).